The following is an entry in ClinVar:

NM_001330260.2(SCN8A):c.920A>G (p.Asn307Ser)

Gene: SCN8A (sodium voltage-gated channel alpha subunit 8; plus strand). Cytogenetic location: 12q13.13.
Variant type: single nucleotide variant.
Coding change: c.920A>G on transcript NM_001330260.2 (MANE Select); coding-DNA position 920, A replaced by G.
Protein change: p.Asn307Ser; replaces asparagine 307 with serine.
Molecular consequence: missense variant.
Genome position (GRCh38, 1-based): chr12:51,699,783, A>G. VCF-style: chr12-51699783-A-G. GRCh37 (hg19) VCF-style: chr12-52093567-A-G.
Other names: c.920A>G, p.Asn307Ser (NM_001177984.3, NM_001369788.1, NM_014191.4); short protein forms N307S.
Identifiers: ClinVar variation 375541 (VCV000375541.38), dbSNP rs1057519557, ClinGen allele CA16044326.
Genomic context (GRCh38, chr12:51,699,783, plus strand): 5'-ACTTCAACGAGAGCTATCTTGAAAATGGCACCAAAGGCTTTGATTGGGAAGAGTATATCA[A>G]CAATAAAAGTAGGTGGCCTCTTCTCTGCAAGAGGAATAGGAAAAGTCTATTCCTAGTTCA-3'
Protein context (NP_001317189.1, residues 297-317): TKGFDWEEYI[Asn307Ser]NKTNFYTVPG

ClinVar aggregate classification (germline): Uncertain significance. Review status: criteria provided, multiple submitters, no conflicts (2 of 4 stars). 3 submissions from 3 submitters: Uncertain significance (3). Last evaluated 2024-10-24.

Conditions:
Epileptic encephalopathy. Identifiers: MedGen C0543888, HP:0200134.
Early-infantile DEE. Also called: Ohtahara syndrome; Early infantile epileptic encephalopathy with suppression bursts; Early infantile epileptic encephalopathy. Identifiers: Orphanet 1934, MedGen C0393706, MONDO:0800491.

Allele frequency attached by ClinVar (database versions not stated): gnomAD exomes below 0.00001; TOPMed 0.00001.
gnomAD v4.1: 6 of 1,612,336 alleles (0.00037%); highest among the groups gnomAD compares: Non-Finnish European, 0.00051%; no homozygotes.

Submissions (3):

Labcorp Genetics (formerly Invitae), Labcorp
Classification: Uncertain significance for Early-infantile DEE. Last evaluated: 2024-10-24. Review status: criteria provided, single submitter. Criteria: Invitae Variant Classification Sherloc (09022015). Collection method: clinical testing. Allele origin: germline.
Comment: This sequence change replaces asparagine, which is neutral and polar, with serine, which is neutral and polar, at codon 307 of the SCN8A protein (p.Asn307Ser). This variant is not present in population databases (gnomAD no frequency). This variant has not been reported in the literature in individuals affected with SCN8A-related conditions. ClinVar contains an entry for this variant (Variation ID: 375541). Invitae Evidence Modeling of protein sequence and biophysical properties (such as structural, functional, and spatial information, amino acid conservation, physicochemical variation, residue mobility, and thermodynamic stability) indicates that this missense variant is not expected to disrupt SCN8A protein function with a negative predictive value of 95%. In summary, the available evidence is currently insufficient to determine the role of this variant in disease. Therefore, it has been classified as a Variant of Uncertain Significance.

CeGaT Center for Human Genetics Tuebingen
Classification: Uncertain significance. Last evaluated: 2021-09-01. Review status: criteria provided, single submitter. Criteria: CeGaT Center For Human Genetics Tuebingen Variant Classification Criteria Version 2. Collection method: clinical testing. Allele origin: germline. Affected: yes. Observed: 1 variant allele.

Neurogenetics Laboratory - MEYER, AOU Meyer
Classification: Uncertain significance for Epileptic encephalopathy. Last evaluated: 2016-11-16. Review status: criteria provided, single submitter. Criteria: ACMG Guidelines, 2015. Collection method: clinical testing. Allele origin: maternal. Affected: yes. Observed: 1 heterozygote.